The following is an entry in ClinVar:

ClinVar aggregate classification (germline): Uncertain significance (1 of 4 stars; one submission).

Submission:

GeneDx
Classification: Uncertain significance. Last evaluated: 2024-06-20. Review status: criteria provided, single submitter. Criteria: GeneDx Variant Classification Process June 2021. Collection method: clinical testing. Allele origin: germline. Affected: yes.
Comment: Not observed in large population cohorts (gnomAD); Canonical splice site variant with an unclear effect on protein function; Has not been previously published as pathogenic or benign to our knowledge

NM_001429.4(EP300):c.730-27_742del

Gene: EP300 (E1A binding protein p300; plus strand). Cytogenetic location: 22q13.2.
Variant type: Deletion.
Coding change: c.730-27_742del on transcript NM_001429.4 (MANE Select); 27 bases into the intron before coding-DNA position 730 through coding-DNA position 742, 40 bases deleted.
Molecular consequence: splice acceptor variant.
Genome position (GRCh38, 1-based): chr22:41,125,837-41,125,876, 40 bases deleted. GRCh37 (hg19): chr22:41,521,841-41,521,880.
Other names: c.730-27_742del (NM_001362843.2).
Identifiers: ClinVar variation 3391493 (VCV003391493.1).
Genomic context (GRCh38, chr22:41,125,836, plus strand): 5'-TTGTGAACTTGGAAGTGAAATCAGAAAAGGAATAATAATGTCTTAAATTTTATTGCTTAT[TTTGTTTTCTTTTGTTTCTTACTCTTAGATGGGAATGATGA>T]ACAACCCCAATCCTTATGGTTCACCATATACTCAGAATCCTGGACAGCAGATTGGAGCCA-3'